The following is an entry in ClinVar:

NM_020435.4(GJC2):c.195C>A (p.Asn65Lys)

Gene: GJC2 (gap junction protein gamma 2; plus strand). Cytogenetic location: 1q42.13.
Variant type: single nucleotide variant.
Coding change: c.195C>A on transcript NM_020435.4 (MANE Select); coding-DNA position 195, C replaced by A.
Protein change: p.Asn65Lys; replaces asparagine 65 with lysine.
Molecular consequence: missense variant.
Genome position (GRCh38, 1-based): chr1:228,157,953, C>A. VCF-style: chr1-228157953-C-A. GRCh37 (hg19) VCF-style: chr1-228345654-C-A.
Other names: short protein forms N65K.
Identifiers: ClinVar variation 1717500 (VCV001717500.5), dbSNP rs2527875441, ClinGen allele CA345097106.

ClinVar aggregate classification (germline): Uncertain significance (1 of 4 stars; one submission).

Conditions:
Spastic paraplegia. Identifiers: MedGen C0037772, HP:0001258.

Submission:

Labcorp Genetics (formerly Invitae), Labcorp
Classification: Uncertain significance for Spastic paraplegia. Last evaluated: 2022-09-24. Review status: criteria provided, single submitter. Criteria: Invitae Variant Classification Sherloc (09022015). Collection method: clinical testing. Allele origin: germline.
Comment: This sequence change replaces asparagine, which is neutral and polar, with lysine, which is basic and polar, at codon 65 of the GJC2 protein (p.Asn65Lys). This variant is not present in population databases (gnomAD no frequency). This variant has not been reported in the literature in individuals affected with GJC2-related conditions. Algorithms developed to predict the effect of missense changes on protein structure and function (SIFT, PolyPhen-2, Align-GVGD) all suggest that this variant is likely to be disruptive. In summary, the available evidence is currently insufficient to determine the role of this variant in disease. Therefore, it has been classified as a Variant of Uncertain Significance.